The following is an entry in ClinVar:

ClinVar aggregate classification (germline): Likely pathogenic (1 of 4 stars; one submission).

Conditions:
Charlevoix-Saguenay spastic ataxia (SACS). Also called: AUTOSOMAL RECESSIVE SPASTIC ATAXIA OF CHARLEVOIX-SAGUENAY; Spastic ataxia of Charlevoix-Saguenay; SPASTIC ATAXIA 6, AUTOSOMAL RECESSIVE. Identifiers: Orphanet 98, MedGen C1849140, MONDO:0010041, OMIM 270550.

Submission:

PROSPAX: an integrated multimodal progression  chart in spastic ataxias, Center for Neurology; Hertie-Institute for Clinical Brain Research
Classification: Likely pathogenic for Charlevoix-Saguenay spastic ataxia. Last evaluated: 2022-01-01. Review status: criteria provided, single submitter. Criteria: ACMG Guidelines, 2015. Collection method: research. Allele origin: germline. Affected: yes.
Comment: Variant seen in compound het: [c.10136T>G;c.11274_11276delAACinsT]

NM_014363.6(SACS):c.11274_11276delinsT (p.Thr3759fs)

Gene: SACS (sacsin molecular chaperone; minus strand). Cytogenetic location: 13q12.12.
Variant type: Indel.
Coding change: c.11274_11276delinsT on transcript NM_014363.6 (MANE Select); coding-DNA positions 11274 to 11276, AAC replaced by T.
Protein change: p.Thr3759fs; shifts the reading frame from threonine 3759.
Molecular consequence: frameshift variant.
Genome position (GRCh38, 1-based): chr13:23,332,600-23,332,602, GTT replaced by A on the plus strand (AAC replaced by T on the coding strand, the reverse complement: SACS is on the minus strand). VCF-style: chr13-23332600-GTT-A. GRCh37 (hg19) VCF-style: chr13-23906739-GTT-A.
Other names: c.10833_10835delinsT, p.Thr3612fs (NM_001278055.2); short protein forms T3612fs, T3759fs.
Identifiers: ClinVar variation 3242481 (VCV003242481.1).